The following is an entry in ClinVar:

ClinVar aggregate classification (germline): Uncertain significance (1 of 4 stars; one submission).

gnomAD v4.1: 1 of 1,596,266 alleles (0.000063%); highest among the groups gnomAD compares: Admixed American, 0.0018%; no homozygotes.

Submission:

Labcorp Genetics (formerly Invitae), Labcorp
Classification: Uncertain significance. Last evaluated: 2024-05-06. Review status: criteria provided, single submitter. Criteria: Invitae Variant Classification Sherloc (09022015). Collection method: clinical testing. Allele origin: germline.
Comment: This sequence change replaces alanine, which is neutral and non-polar, with valine, which is neutral and non-polar, at codon 89 of the FBN3 protein (p.Ala89Val). The frequency data for this variant in the population databases is considered unreliable, as metrics indicate poor data quality at this position in the gnomAD database. This variant has not been reported in the literature in individuals affected with FBN3-related conditions. An algorithm developed to predict the effect of missense changes on protein structure and function (PolyPhen-2) suggests that this variant is likely to be tolerated. In summary, the available evidence is currently insufficient to determine the role of this variant in disease. Therefore, it has been classified as a Variant of Uncertain Significance.

NM_032447.5(FBN3):c.266C>T (p.Ala89Val)

Gene: FBN3 (fibrillin 3; minus strand). Cytogenetic location: 19p13.2.
Variant type: single nucleotide variant.
Coding change: c.266C>T on transcript NM_032447.5 (MANE Select); coding-DNA position 266, C replaced by T.
Protein change: p.Ala89Val; replaces alanine 89 with valine.
Molecular consequence: missense variant.
Genome position (GRCh38, 1-based): chr19:8,146,210, G>A on the plus strand (C>T on the coding strand, the complement: FBN3 is on the minus strand). VCF-style: chr19-8146210-G-A. GRCh37 (hg19) VCF-style: chr19-8211094-G-A.
Other names: c.266C>T, p.Ala89Val (NM_001321431.2); short protein forms A89V.
Identifiers: ClinVar variation 3713811 (VCV003713811.2).